The following is an entry in ClinVar:

ClinVar aggregate classification (germline): Benign (1 of 4 stars; one submission).

Conditions:
Familial colorectal cancer type X. Identifiers: Orphanet 440437, MedGen C3896578, MONDO:0018604.

Submission:

Myriad Genetics, Inc.
Classification: Benign for Familial colorectal cancer type X. Last evaluated: 2026-08-03. Review status: criteria provided, single submitter. Criteria: Myriad Autosomal Dominant, Autosomal Recessive and X-Linked Classification Criteria (2023). Collection method: clinical testing. Allele origin: unknown.
Comment: This variant is considered benign. This variant is a silent/synonymous amino acid change and it is not expected to impact splicing.

NM_001023.4(RPS20):c.27A>C (p.Thr9=)

Gene: RPS20 (ribosomal protein S20; minus strand). Cytogenetic location: 8q12.1.
Variant type: single nucleotide variant.
Coding change: c.27A>C on transcript NM_001023.4 (MANE Select); coding-DNA position 27, A replaced by C.
Protein change: p.Thr9=; no amino-acid change (threonine 9 retained).
Molecular consequence: synonymous variant.
Genome position (GRCh38, 1-based): chr8:56,074,136, T>G on the plus strand (A>C on the coding strand, the complement: RPS20 is on the minus strand). VCF-style: chr8-56074136-T-G. GRCh37 (hg19) VCF-style: chr8-56986695-T-G.
Other names: c.27A>C, p.Thr9= (NM_001146227.3).
Identifiers: ClinVar variation 5042411 (VCV005042411.1).